The following is an entry in ClinVar:

ClinVar aggregate classification (germline): Uncertain significance. Review status: criteria provided, multiple submitters, no conflicts (2 of 4 stars). 2 submissions from 2 submitters: Uncertain significance (2). Last evaluated 2024-06-03.

Conditions:
Long QT syndrome (LQTS). Identifiers: MedGen C0023976, MeSH D008133, MONDO:0002442. Disease mechanism: loss of function. Inheritance: Various modes of inheritance.

Allele frequency attached by ClinVar (database versions not stated): gnomAD exomes below 0.00001 and 0.00001; TOPMed below 0.00001; gnomAD 0.00001; ExAC 0.00002.
gnomAD v4.1: 7 of 1,613,686 alleles (0.00043%); highest among the groups gnomAD compares: Non-Finnish European, 0.00051%; no homozygotes.

Submissions (2):

Labcorp Genetics (formerly Invitae), Labcorp
Classification: Uncertain significance for Long QT syndrome. Last evaluated: 2024-06-03. Review status: criteria provided, single submitter. Criteria: Invitae Variant Classification Sherloc (09022015). Collection method: clinical testing. Allele origin: germline.
Comment: This sequence change replaces threonine, which is neutral and polar, with isoleucine, which is neutral and non-polar, at codon 951 of the ANK2 protein (p.Thr951Ile). This variant is present in population databases (rs773635091, gnomAD 0.003%). This variant has not been reported in the literature in individuals affected with ANK2-related conditions. ClinVar contains an entry for this variant (Variation ID: 406480). Advanced modeling of protein sequence and biophysical properties (such as structural, functional, and spatial information, amino acid conservation, physicochemical variation, residue mobility, and thermodynamic stability) performed at Invitae indicates that this missense variant is not expected to disrupt ANK2 protein function with a negative predictive value of 80%. In summary, the available evidence is currently insufficient to determine the role of this variant in disease. Therefore, it has been classified as a Variant of Uncertain Significance.

Institute for Clinical Genetics, University Hospital TU Dresden, University Hospital TU Dresden
Classification: Uncertain significance. Last evaluated: 2021-11-03. Review status: criteria provided, single submitter. Criteria: ACMG Guidelines, 2015. Collection method: clinical testing. Allele origin: germline.

NM_001148.6(ANK2):c.2852C>T (p.Thr951Ile)

Gene: ANK2 (ankyrin 2; plus strand). Cytogenetic location: 4q26.
Variant type: single nucleotide variant.
Coding change: c.2852C>T on transcript NM_001148.6 (MANE Select); coding-DNA position 2852, C replaced by T.
Protein change: p.Thr951Ile; replaces threonine 951 with isoleucine.
Molecular consequence: missense variant.
Genome position (GRCh38, 1-based): chr4:113,318,572, C>T. VCF-style: chr4-113318572-C-T. GRCh37 (hg19) VCF-style: chr4-114239728-C-T.
Other names: c.2789C>T, p.Thr930Ile (NM_001127493.3, NM_001354243.2, NM_001354255.2 and 3 more transcripts); c.2864C>T, p.Thr955Ile (NM_001354225.2); c.2852C>T, p.Thr951Ile (NM_001354228.2, NM_001354232.2, NM_001354258.2 and 1 more transcripts); c.2894C>T, p.Thr965Ile (NM_001354230.2, NM_001354231.2, NM_001354237.2 and 1 more transcripts); c.2849C>T, p.Thr950Ile (NM_001354235.2, NM_001354236.2, NM_001354246.2 and 1 more transcripts); c.2786C>T, p.Thr929Ile (NM_001354239.2, NM_001354244.2, NM_001354252.2 and 3 more transcripts); c.2897C>T, p.Thr966Ile (NM_001354240.2, NM_001354241.2, NM_001386144.1); c.2753C>T, p.Thr918Ile (NM_001354245.2, NM_001354268.2); and 17 more; short protein forms T951I, T930I, T160I, T880I, T884I, T917I, T918I, T929I.
Identifiers: ClinVar variation 406480 (VCV000406480.8), dbSNP rs773635091, ClinGen allele CA3050687.
Genomic context (GRCh38, chr4:113,318,572, plus strand): 5'-TTTAGGTGTCAACTCTAGCCAAGGAGGCAGAAAGGAATTCTTATCGCCTAAGCTGGGGCA[C>T]TGAGAACTTAGACAACGTGGCTCTTTCTTCTAGTCCTATTCATTCAGGGTGAGTAAATCA-3'
Protein context (NP_001139.3, residues 941-961): ERNSYRLSWG[Thr951Ile]ENLDNVALSS